The following is an entry in ClinVar:

NM_170707.4(LMNA):c.937-9C>A

Gene: LMNA (lamin A/C; plus strand). Cytogenetic location: 1q22.
Variant type: single nucleotide variant.
Coding change: c.937-9C>A on transcript NM_170707.4 (MANE Select); 9 bases into the intron before coding-DNA position 937, C replaced by A.
Molecular consequence: intron variant.
Genome position (GRCh38, 1-based): chr1:156,135,892, C>A. VCF-style: chr1-156135892-C-A. GRCh37 (hg19) VCF-style: chr1-156105683-C-A.
Other names: c.937-9C>A (NM_001282625.2, NM_001282626.2, NM_170708.4 and 1 more transcripts); c.601-9C>A (NM_001257374.3); c.694-9C>A (NM_001282624.2).
Identifiers: ClinVar variation 861693 (VCV000861693.10), dbSNP rs1332011298, ClinGen allele CA916080235.

ClinVar aggregate classification (germline): Conflicting classifications of pathogenicity. Review status: criteria provided, conflicting classifications (1 of 4 stars). 2 submissions from 2 submitters: Uncertain significance (1); Likely benign (1). Last evaluated 2025-08-17.

Conditions:
Charcot-Marie-Tooth disease type 2. Also called: Charcot-Marie-Tooth type 2. Identifiers: Orphanet 64746, MedGen C0270914, MONDO:0018993.
Primary dilated cardiomyopathy (DCM). Also called: Dilated Cardiomyopathy. Identifiers: Orphanet 217604, MedGen C0007193, MeSH D002311, MONDO:0005021, HP:0001644. Inheritance: Various modes of inheritance.

Submissions (2):

Labcorp Genetics (formerly Invitae), Labcorp
Classification: Likely benign for Charcot-Marie-Tooth disease type 2. Last evaluated: 2025-08-17. Review status: criteria provided, single submitter. Criteria: Invitae Variant Classification Sherloc (09022015). Collection method: clinical testing. Allele origin: germline.

All of Us Research Program, National Institutes of Health
Classification: Uncertain significance for Primary dilated cardiomyopathy. Last evaluated: 2023-11-20. Review status: criteria provided, single submitter. Criteria: ACMG Guidelines, 2015. Collection method: clinical testing. Allele origin: germline. Inheritance: Autosomal dominant inheritance. Observed: 1 variant allele, 1 heterozygote.
Comment: This variant causes a C to A nucleotide substitution at the -9 position of intron 5 of the LMNA gene. To our knowledge, functional studies have not been reported for this variant. This variant has not been reported in individuals affected with LMNA-related disorders in the literature. This variant has not been identified in the general population by the Genome Aggregation Database (gnomAD). The available evidence is insufficient to determine the role of this variant in disease conclusively. Therefore, this variant is classified as a Variant of Uncertain Significance.

This study involves interpretation of variants in research participants for the purpose of population health screening. Participant phenotype was not available at the time of variant classification. Additional details can be found in publication PMID: 35346344, PMCID: PMC8962531